The following is an entry in ClinVar:

NM_001113378.2(FANCI):c.3848C>T (p.Thr1283Ile)

Gene: FANCI (FA complementation group I; plus strand). Cytogenetic location: 15q26.1.
Variant type: single nucleotide variant.
Coding change: c.3848C>T on transcript NM_001113378.2 (MANE Select); coding-DNA position 3848, C replaced by T.
Protein change: p.Thr1283Ile; replaces threonine 1283 with isoleucine.
Molecular consequence: missense variant.
Genome position (GRCh38, 1-based): chr15:89,315,313, C>T. VCF-style: chr15-89315313-C-T. GRCh37 (hg19) VCF-style: chr15-89858544-C-T.
Other names: c.3569C>T, p.Thr1190Ile (NM_001376910.1); c.3848C>T, p.Thr1283Ile (NM_001376911.1); c.3668C>T, p.Thr1223Ile (NM_018193.3); short protein forms T1190I, T1223I, T1283I.
Identifiers: ClinVar variation 1376921 (VCV001376921.5), dbSNP rs2055184928, ClinGen allele CA393744658.

ClinVar aggregate classification (germline): Uncertain significance (1 of 4 stars; one submission).

Conditions:
Fanconi anemia (FA). Also called: Fanconi's anemia. Identifiers: Orphanet 84, MedGen C0015625, MeSH D005199, MONDO:0019391.

Allele frequency attached by ClinVar (database versions not stated): gnomAD exomes below 0.00001.

Submission:

Labcorp Genetics (formerly Invitae), Labcorp
Classification: Uncertain significance for Fanconi anemia. Last evaluated: 2021-08-28. Review status: criteria provided, single submitter. Criteria: Invitae Variant Classification Sherloc (09022015). Collection method: clinical testing. Allele origin: germline.
Comment: This sequence change replaces threonine with isoleucine at codon 1283 of the FANCI protein (p.Thr1283Ile). The threonine residue is highly conserved and there is a moderate physicochemical difference between threonine and isoleucine. This variant is not present in population databases (ExAC no frequency). This variant has not been reported in the literature in individuals affected with FANCI-related conditions. Algorithms developed to predict the effect of missense changes on protein structure and function are either unavailable or do not agree on the potential impact of this missense change (SIFT: "Deleterious"; PolyPhen-2: "Possibly Damaging"; Align-GVGD: "Class C0"). In summary, the available evidence is currently insufficient to determine the role of this variant in disease. Therefore, it has been classified as a Variant of Uncertain Significance.